The following is an entry in ClinVar:

ClinVar aggregate classification (germline): Likely pathogenic (1 of 4 stars; one submission).

Conditions:
Primary Mitochondrial Disorders. Identifiers: MedGen CN381104.

Submission:

Variantyx, Inc.
Classification: Likely pathogenic for Primary mitochondrial disorders. Last evaluated: 2025-07-11. Review status: criteria provided, single submitter. Criteria: Variantyx Assertion Criteria 2022. Collection method: clinical testing. Allele origin: germline.
Comment: The m.13480G>A, c.1144G>A, p.Gly382* change is a a nonsense variant in the MT-ND5 gene. Pathogenic variants in this gene have been associated with primary mitochondrial disorders. This variant introduces a premature termination codon, and is expected to alter or truncate 36.6% of the protein (PVS1). Computational algorithms support a deleterious effect on the gene or gene product (Aggregate Predicted Severity Score: 1) (PP3). This variant is absent from control populations (PM2). This variant has not been reported in individuals with primary mitochondrial disorders in the databases available for review. Based on the current evidence, this variant is classified as likely pathogenic for primary mitochondrial disorders.

NC_012920.1(MT-ND5):m.13480G>A

Gene: MT-ND5 (mitochondrially encoded NADH dehydrogenase 5; plus strand).
Variant type: single nucleotide variant.
Genome position: chrM-13480-G-A.
Identifiers: ClinVar variation 4795905 (VCV004795905.1).